The following is an entry in ClinVar:

ClinVar aggregate classification (germline): Pathogenic. Review status: criteria provided, multiple submitters, no conflicts (2 of 4 stars). 4 submissions from 4 submitters: Pathogenic (4). Last evaluated 2025-02-16.

Conditions:
KCNH2-related disorder. Also called: KCNH2-related condition; KCNH2-related disorders.
Cardiovascular phenotype. Identifiers: MedGen CN230736.

Allele frequency attached by ClinVar (database versions not stated): gnomAD exomes below 0.00001.

Submissions (4):

Laboratory of Genetics, Children's Clinical University Hospital Latvia
Classification: Pathogenic. Last evaluated: 2025-02-16. Review status: criteria provided, single submitter. Criteria: ACMG Guidelines, 2015. Collection method: clinical testing. Allele origin: germline. Affected: yes.

Blueprint Genetics
Classification: Pathogenic for KCNH2-related disorders. Last evaluated: 2024-08-22. Review status: criteria provided, single submitter. Criteria: ACMG Guidelines, 2015. Collection method: clinical testing. Allele origin: germline. Affected: yes. Observed: 3 variant alleles.

Ambry Genetics
Classification: Pathogenic for Cardiovascular phenotype. Last evaluated: 2017-09-15. Review status: criteria provided, single submitter. Criteria: Ambry Variant Classification Scheme 2023. Collection method: clinical testing. Allele origin: germline.
Comment: The p.W568* pathogenic mutation (also known as c.1704G>A), located in coding exon 7 of the KCNH2 gene, results from a G to A substitution at nucleotide position 1704. This changes the amino acid from a tryptophan to a stop codon within coding exon 7. In a study of long QT syndrome clinical genetic testing, this alteration was reported in one patient; however, clinical details were limited (Kapplinger JD et al. Heart Rhythm. 2009;6:1297-303). This alteration is expected to result in loss of function by premature protein truncation or nonsense-mediated mRNA decay. As such, this alteration is interpreted as a disease-causing mutation.

GeneDx
Classification: Pathogenic. Last evaluated: 2015-11-13. Review status: criteria provided, single submitter. Criteria: GeneDx Variant Classification (06012015). Collection method: clinical testing. Allele origin: germline. Affected: yes.
Comment: p.Trp568Stop (TGG>TGA):c.1704 G>A in exon 7 of the KCNH2 (aka HERG) gene (NM_000238.2)The Trp568Stop mutation in the KCNH2 gene has been reported in association with LQTS (Kapplinger J et al., 2009). This mutation was reported in one patient with LQTS and it was absent from 2,600 control alleles. The Trp568Stop mutation is predicted to cause loss of normal protein function either due to a prematurely truncated protein or absent protein product due to nonsense mediated mRNA decay. Other nonsense mutations in the KCNH2 gene have also been reported in association with LQTS.In summary, Trp568Stop mutation in the KCNH2 gene is interpreted as a disease-causing mutation. The variant is found in LQT panel(s).

Literature cited by the submitters: PubMed 19716085 (cited by Ambry Genetics).

NM_000238.4(KCNH2):c.1704G>A (p.Trp568Ter)

Gene: KCNH2 (potassium voltage-gated channel subfamily H member 2; minus strand). Cytogenetic location: 7q36.1.
Variant type: single nucleotide variant.
Coding change: c.1704G>A on transcript NM_000238.4 (MANE Select); coding-DNA position 1704, G replaced by A.
Protein change: p.Trp568Ter; replaces tryptophan 568 with a stop codon.
Molecular consequence: nonsense.
Genome position (GRCh38, 1-based): chr7:150,951,689, C>T on the plus strand (G>A on the coding strand, the complement: KCNH2 is on the minus strand). VCF-style: chr7-150951689-C-T. GRCh37 (hg19) VCF-style: chr7-150648777-C-T.
Other names: p.W568*:TGG>TGA; c.684G>A, p.Trp228Ter (NM_001204798.2, NM_172057.3); c.1416G>A, p.Trp472Ter (NM_001406753.1, NM_001406756.1); c.1527G>A, p.Trp509Ter (NM_001406755.1); c.1404G>A, p.Trp468Ter (NM_001406757.1); c.1704G>A, p.Trp568Ter (NM_172056.3); short protein forms W228*, W568*, W472*, W468*, W509*.
Identifiers: ClinVar variation 200370 (VCV000200370.10), dbSNP rs199472926, ClinGen allele CA005190.